The following is an entry in ClinVar:

ClinVar aggregate classification (germline): Likely pathogenic. Review status: reviewed by expert panel (3 of 4 stars). 4 submissions from 4 submitters: Likely pathogenic (1). 3 of the submissions do not count toward it. Last evaluated 2023-12-29.

Conditions:
Familial thoracic aortic aneurysm and aortic dissection (TAAD). Also called: Thoracic aortic aneurysms and dissections. Identifiers: Orphanet 91387, MedGen C4707243, MONDO:0019625.
Marfan Syndrome/Loeys-Dietz Syndrome/Familial Thoracic Aortic Aneurysms and Dissections. Identifiers: MedGen CN229799.
Marfan syndrome (MFS). Also called: Marfan syndrome, classic; Marfan syndrome type 1; Marfan's syndrome; FBN1-Related Marfan Syndrome; MARFAN SYNDROME, TYPE I. Identifiers: Orphanet 284963, Orphanet 558, MedGen C0024796, MONDO:0007947, OMIM 154700.

Submissions (4):

ClinGen FBN1 Variant Curation Expert Panel, ClinGen
Classification: Likely pathogenic for Marfan syndrome. Last evaluated: 2023-12-29. Review status: reviewed by expert panel. Criteria: Assertion Criteria VCEP FBN1 Version 1. Collection method: curation. Allele origin: germline. Inheritance: Autosomal dominant inheritance.
Comment: The NM_00138 c.2660G>A, is a missense variant in FBN1 predicted to cause a substitution of a cysteine by tyrosine at amino acid 887 (p.Cys887Tyr). This variant was found in a proband with a clinical diagnosis of Marfan syndrome (PMID 23684891) (PP4). This variant has been reported three times in ClinVar: twice as pathogenic and once as uncertain significance (Variation ID: 915814). This variant has been reported in the literature in an individual with a suspected diagnosis of Marfan syndrome (PMID 29907982). This variant is not present in gnomAD (PM2_sup; v2.1.1). Other missense variants affecting the same residue, including p.Cys887Tyr and p.Cys887Arg have been previously reported in individuals with clinical features of Marfan syndrome (PMID 27906200, 34281902, internal data; PM5). This variant affects a cysteine residue in a hybrid domain. Cysteine residues are believed to be involved in the formation of disulfide bridges which are essential for the protein structure (PM1). Computational prediction tools and conservation analysis suggest that this variant may impact the protein (REVEL: 0.926, PP3). The constraint z-score for missense variants affecting FBN1 is 5.06 (PP2). In summary, this variant meets criteria to be classified as likely pathogenic for Marfan syndrome based on the ACMG/AMP criteria applied, as specified by the ClinGen FBN1 VCEP: PM1, PM5, PM2_Sup, PP2, PP3, PP4.

Labcorp Genetics (formerly Invitae), Labcorp
Classification: Pathogenic for Marfan syndrome; Familial thoracic aortic aneurysm and aortic dissection. Last evaluated: 2025-07-03. Review status: criteria provided, single submitter. Criteria: Invitae Variant Classification Sherloc (09022015). Collection method: clinical testing. Allele origin: germline. Not counted in ClinVar's aggregate classification.
Comment: This sequence change replaces cysteine, which is neutral and slightly polar, with tyrosine, which is neutral and polar, at codon 887 of the FBN1 protein (p.Cys887Tyr). This variant is not present in population databases (gnomAD no frequency). This missense change has been observed in individual(s) with FBN1-related conditions (PMID: 23684891, 29907982). ClinVar contains an entry for this variant (Variation ID: 915814). Invitae Evidence Modeling of protein sequence and biophysical properties (such as structural, functional, and spatial information, amino acid conservation, physicochemical variation, residue mobility, and thermodynamic stability) indicates that this missense variant is expected to disrupt FBN1 protein function with a positive predictive value of 95%. This variant affects a cysteine residue in the EGF-like, TGFBP or hybrid motif domains of FBN1. Cysteine residues are believed to be involved in intramolecular disulfide bridges and have been shown to be important for FBN1 protein structure (PMID: 16905551, 19349279). In addition, missense substitutions affecting cysteine residues within these domains are significantly overrepresented among patients with Marfan syndrome (PMID: 16571647, 17701892). This variant disrupts the p.Cys887 amino acid residue in FBN1. Other variant(s) that disrupt this residue have been observed in individuals with FBN1-related conditions (PMID: 27906200), which suggests that this may be a clinically significant amino acid residue. For these reasons, this variant has been classified as Pathogenic.

Women's Health and Genetics/Laboratory Corporation of America, LabCorp
Classification: Pathogenic for Marfan Syndrome/Loeys-Dietz Syndrome/Familial Thoracic Aortic Aneurysms and Dissections. Last evaluated: 2023-05-18. Review status: criteria provided, single submitter. Criteria: LabCorp Variant Classification Summary - May 2015. Collection method: clinical testing. Allele origin: germline. Not counted in ClinVar's aggregate classification.
Comment: Variant summary: FBN1 c.2660G>A (p.Cys887Tyr) results in a non-conservative amino acid change located in the TB domain (IPR017878) of the encoded protein sequence. Five of five in-silico tools predict a damaging effect of the variant on protein function. The variant was absent in 251250 control chromosomes. c.2660G>A has been reported in the literature in individuals affected with or with clinical features of Marfan Syndrome (Attanasio_2013, Overwater_2018). These data indicate that the variant may be associated with disease. To our knowledge, no experimental evidence demonstrating an impact on protein function has been reported. The following publications have been ascertained in the context of this evaluation (PMID: 23684891, 29907982). Two clinical diagnostic laboratories have submitted clinical-significance assessments for this variant to ClinVar after 2014 without evidence for independent evaluation. One laboratory classified the variant as pathogenic, and one classified the variant as uncertain significance. In addition, other variants affecting this codon (p.C877S, p.C887R, p.C887F) have been reported as pathogenic in ClinVar or HGMD. Based on the evidence outlined above, the variant was classified as pathogenic.

CHEO Genetics Diagnostic Laboratory, Children's Hospital of Eastern Ontario
Classification: Uncertain significance for Familial thoracic aortic aneurysm and aortic dissection. Last evaluated: 2018-10-03. Review status: criteria provided, single submitter. Criteria: ACMG Guidelines, 2015. Collection method: clinical testing. Allele origin: germline. Not counted in ClinVar's aggregate classification.

Literature cited by the submitters: PubMed 23684891 (cited by Labcorp Genetics (formerly Invitae), Labcorp and Women's Health and Genetics/Laboratory Corporation of America, LabCorp); PubMed 29907982 (cited by Labcorp Genetics (formerly Invitae), Labcorp and Women's Health and Genetics/Laboratory Corporation of America, LabCorp); PubMed 16905551 (cited by Labcorp Genetics (formerly Invitae), Labcorp); PubMed 19349279 (cited by Labcorp Genetics (formerly Invitae), Labcorp); PubMed 16571647 (cited by Labcorp Genetics (formerly Invitae), Labcorp); PubMed 17701892 (cited by Labcorp Genetics (formerly Invitae), Labcorp); PubMed 27906200 (cited by Labcorp Genetics (formerly Invitae), Labcorp).

NM_000138.5(FBN1):c.2660G>A (p.Cys887Tyr)

Gene: FBN1 (fibrillin 1; minus strand). Cytogenetic location: 15q21.1.
Variant type: single nucleotide variant.
Coding change: c.2660G>A on transcript NM_000138.5 (MANE Select); coding-DNA position 2660, G replaced by A.
Protein change: p.Cys887Tyr; replaces cysteine 887 with tyrosine.
Molecular consequence: missense variant.
Genome position (GRCh38, 1-based): chr15:48,495,140, C>T on the plus strand (G>A on the coding strand, the complement: FBN1 is on the minus strand). VCF-style: chr15-48495140-C-T. GRCh37 (hg19) VCF-style: chr15-48787337-C-T.
Other names: NM_000138.5(FBN1):c.2660G>A; p.Cys887Tyr; short protein forms C887Y.
Identifiers: ClinVar variation 915814 (VCV000915814.8), dbSNP rs2043594601, ClinGen allele CA392332017.